The following is an entry in ClinVar:

ClinVar aggregate classification (germline): Uncertain significance (1 of 4 stars; one submission).

Conditions:
Familial temporal lobe epilepsy 7. Identifiers: Orphanet 101046, MedGen C4225327, MONDO:0014639, OMIM 616436.
Norman-Roberts syndrome (LIS2). Also called: Lissencephaly 2 (Norman-Roberts type). Identifiers: Orphanet 89844, MedGen C0796089, MONDO:0009760, OMIM 257320.

Allele frequency attached by ClinVar (database versions not stated): TOPMed below 0.00001; gnomAD exomes 0.00001.
gnomAD v4.1: 13 of 1,612,762 alleles (0.00081%); highest among the groups gnomAD compares: Non-Finnish European, 0.0011%; no homozygotes.

Submission:

Labcorp Genetics (formerly Invitae), Labcorp
Classification: Uncertain significance for Familial temporal lobe epilepsy 7; Norman-Roberts syndrome. Last evaluated: 2023-04-09. Review status: criteria provided, single submitter. Criteria: Invitae Variant Classification Sherloc (09022015). Collection method: clinical testing. Allele origin: germline.
Comment: This variant is present in population databases (rs201758954, gnomAD 0.0009%). This sequence change replaces leucine, which is neutral and non-polar, with serine, which is neutral and polar, at codon 285 of the RELN protein (p.Leu285Ser). This variant has not been reported in the literature in individuals affected with RELN-related conditions. Advanced modeling of protein sequence and biophysical properties (such as structural, functional, and spatial information, amino acid conservation, physicochemical variation, residue mobility, and thermodynamic stability) performed at Invitae indicates that this missense variant is not expected to disrupt RELN protein function. In summary, the available evidence is currently insufficient to determine the role of this variant in disease. Therefore, it has been classified as a Variant of Uncertain Significance.

NM_005045.4(RELN):c.854T>C (p.Leu285Ser)

Gene: RELN (reelin; minus strand). Cytogenetic location: 7q22.1.
Variant type: single nucleotide variant.
Coding change: c.854T>C on transcript NM_005045.4 (MANE Select); coding-DNA position 854, T replaced by C.
Protein change: p.Leu285Ser; replaces leucine 285 with serine.
Molecular consequence: missense variant.
Genome position (GRCh38, 1-based): chr7:103,700,958, A>G on the plus strand (T>C on the coding strand, the complement: RELN is on the minus strand). VCF-style: chr7-103700958-A-G. GRCh37 (hg19) VCF-style: chr7-103341405-A-G.
Other names: c.854T>C, p.Leu285Ser (NM_173054.3); short protein forms L285S.
Identifiers: ClinVar variation 2935911 (VCV002935911.3), dbSNP rs201758954, ClinGen allele CA163870847.